The following is an entry in ClinVar:

NM_001378120.1(MBD5):c.674C>T (p.Ala225Val)

Gene: MBD5 (methyl-CpG binding domain protein 5; plus strand). Cytogenetic location: 2q23.1.
Variant type: single nucleotide variant.
Coding change: c.674C>T on transcript NM_001378120.1 (MANE Select); coding-DNA position 674, C replaced by T.
Protein change: p.Ala225Val; replaces alanine 225 with valine.
Molecular consequence: missense variant.
Genome position (GRCh38, 1-based): chr2:148,468,617, C>T. VCF-style: chr2-148468617-C-T. GRCh37 (hg19) VCF-style: chr2-149226186-C-T.
Other names: c.674C>T, p.Ala225Val (NM_018328.5); short protein forms A225V.
Identifiers: ClinVar variation 1433297 (VCV001433297.8), dbSNP rs1680672762, ClinGen allele CA348717371.

ClinVar aggregate classification (germline): Uncertain significance (1 of 4 stars; one submission).

Conditions:
Intellectual developmental disorder, autosomal dominant 1. Also called: Intellectual disability, autosomal dominant 1; MBD5 Haploinsufficiency. Identifiers: Orphanet 228402, MedGen C1969562, MONDO:0007974, OMIM 156200.

Allele frequency attached by ClinVar (database versions not stated): TOPMed below 0.00001; gnomAD exomes below 0.00001.
gnomAD v4.1: 2 of 1,613,928 alleles (0.00012%); highest among the groups gnomAD compares: Non-Finnish European, 0.00017%; no homozygotes.

Submission:

Labcorp Genetics (formerly Invitae), Labcorp
Classification: Uncertain significance for Intellectual developmental disorder, autosomal dominant 1. Last evaluated: 2021-02-14. Review status: criteria provided, single submitter. Criteria: Invitae Variant Classification Sherloc (09022015). Collection method: clinical testing. Allele origin: germline.
Comment: This sequence change replaces alanine with valine at codon 225 of the MBD5 protein (p.Ala225Val). The alanine residue is highly conserved and there is a small physicochemical difference between alanine and valine. This variant is not present in population databases (ExAC no frequency). This variant has not been reported in the literature in individuals with MBD5-related conditions. Algorithms developed to predict the effect of missense changes on protein structure and function (SIFT, PolyPhen-2, Align-GVGD) all suggest that this variant is likely to be disruptive, but these predictions have not been confirmed by published functional studies and their clinical significance is uncertain. In summary, the available evidence is currently insufficient to determine the role of this variant in disease. Therefore, it has been classified as a Variant of Uncertain Significance.